The following is an entry in ClinVar:

ClinVar aggregate classification (germline): Uncertain significance (1 of 4 stars; one submission).

Conditions:
Symmetrical dyschromatosis of extremities (DSH). Also called: Dyschromatosis symmetrica hereditaria; RETICULATE ACROPIGMENTATION OF DOHI; SYMMETRIC DYSCHROMATOSIS OF THE EXTREMITIES; DYSCHROMATOSIS SYMMETRICA HEREDITARIA 1. Identifiers: Orphanet 41, MedGen C0406775, MONDO:0007483, OMIM 127400.
Aicardi-Goutieres syndrome 6 (AGS6). Identifiers: Orphanet 51, MedGen C3539013, MONDO:0014007, OMIM 615010.

Submission:

Labcorp Genetics (formerly Invitae), Labcorp
Classification: Uncertain significance for Aicardi-Goutieres syndrome 6; Symmetrical dyschromatosis of extremities. Last evaluated: 2022-07-21. Review status: criteria provided, single submitter. Criteria: Invitae Variant Classification Sherloc (09022015). Collection method: clinical testing. Allele origin: germline.
Comment: Algorithms developed to predict the effect of missense changes on protein structure and function are either unavailable or do not agree on the potential impact of this missense change (SIFT: "Deleterious"; PolyPhen-2: "Benign"; Align-GVGD: "Class C0"). In summary, the available evidence is currently insufficient to determine the role of this variant in disease. Therefore, it has been classified as a Variant of Uncertain Significance. This variant has not been reported in the literature in individuals affected with ADAR-related conditions. This variant is not present in population databases (gnomAD no frequency). This sequence change replaces serine, which is neutral and polar, with cysteine, which is neutral and slightly polar, at codon 38 of the ADAR protein (p.Ser38Cys).

NM_001111.5(ADAR):c.112A>T (p.Ser38Cys)

Gene: ADAR (adenosine deaminase RNA specific; minus strand). Cytogenetic location: 1q21.3.
Variant type: single nucleotide variant.
Coding change: c.112A>T on transcript NM_001111.5 (MANE Select); coding-DNA position 112, A replaced by T.
Protein change: p.Ser38Cys; replaces serine 38 with cysteine.
Molecular consequence: missense variant. On other transcripts: 5 prime UTR variant (6).
Genome position (GRCh38, 1-based): chr1:154,602,530, T>A on the plus strand (A>T on the coding strand, the complement: ADAR is on the minus strand). VCF-style: chr1-154602530-T-A. GRCh37 (hg19) VCF-style: chr1-154575006-T-A.
Other names: c.-774A>T (NM_001025107.3, NM_001193495.2, NM_001365048.1); c.139A>T, p.Ser47Cys (NM_001365045.1); c.-638A>T (NM_001365046.1, NM_001365047.1, NM_001365049.1); c.112A>T, p.Ser38Cys (NM_015840.4, NM_015841.4); short protein forms S38C, S47C.
Identifiers: ClinVar variation 2065019 (VCV002065019.4), dbSNP rs1697956347, ClinGen allele CA342606859.